The following is an entry in ClinVar:

NM_004984.4(KIF5A):c.2126C>T (p.Ala709Val)

Gene: KIF5A (kinesin family member 5A; plus strand). Cytogenetic location: 12q13.3.
Variant type: single nucleotide variant.
Coding change: c.2126C>T on transcript NM_004984.4 (MANE Select); coding-DNA position 2126, C replaced by T.
Protein change: p.Ala709Val; replaces alanine 709 with valine.
Molecular consequence: missense variant.
Genome position (GRCh38, 1-based): chr12:57,576,306, C>T. VCF-style: chr12-57576306-C-T. GRCh37 (hg19) VCF-style: chr12-57970089-C-T.
Other names: c.1859C>T, p.Ala620Val (NM_001354705.2); short protein forms A620V, A709V.
Identifiers: ClinVar variation 1302335 (VCV001302335.5), dbSNP rs368671947, ClinGen allele CA6653012.
Genomic context (GRCh38, chr12:57,576,306, plus strand): 5'-GCTTGGGGTGGGGTTGTTTGCAGAAGGCTCTGGAGCTGCAGATGGAGAGTCACCGGGAGG[C>T]CCATCACCGGCAGCTGGCCCGGCTCCGGGACGAGATCAACGAGAAGCAGAAGACCATTGA-3'
Protein context (NP_004975.2, residues 699-719): LELQMESHRE[Ala709Val]HHRQLARLRD

ClinVar aggregate classification (germline): Uncertain significance. Review status: criteria provided, multiple submitters, no conflicts (2 of 4 stars). 2 submissions from 2 submitters: Uncertain significance (2). Last evaluated 2019-07-16.

Conditions:
Hereditary spastic paraplegia. Also called: Familial spastic paraparesis. Identifiers: Orphanet 685, MedGen C0037773, MONDO:0019064. Disease mechanism: loss of function.

Allele frequency attached by ClinVar (database versions not stated): gnomAD exomes below 0.00001 and 0.00001; TOPMed below 0.00001; ExAC 0.00001; ESP Exome Variant Server 0.00008.
gnomAD v4.1: 7 of 1,614,026 alleles (0.00043%); highest among the groups gnomAD compares: South Asian, 0.0011%; no homozygotes.

Submissions (2):

GeneDx
Classification: Uncertain significance. Last evaluated: 2019-07-16. Review status: criteria provided, single submitter. Criteria: GeneDx Variant Classification Process June 2021. Collection method: clinical testing. Allele origin: germline. Affected: yes.
Comment: Not observed in large population cohorts (Lek et al., 2016); In silico analysis, which includes protein predictors and evolutionary conservation, supports that this variant does not alter protein structure/function; Has not been previously published as pathogenic or benign to our knowledge

Genome Diagnostics Laboratory, The Hospital for Sick Children
Classification: Uncertain significance for Hereditary spastic paraplegia. Last evaluated: 2018-08-01. Review status: criteria provided, single submitter. Criteria: ACMG Guidelines, 2015. Collection method: clinical testing. Allele origin: germline. Affected: yes.